The following is an entry in ClinVar:

NM_174916.3(UBR1):c.3673G>T (p.Ala1225Ser)

Gene: UBR1 (ubiquitin protein ligase E3 component n-recognin 1; minus strand). Cytogenetic location: 15q15.2.
Variant type: single nucleotide variant.
Coding change: c.3673G>T on transcript NM_174916.3 (MANE Select); coding-DNA position 3673, G replaced by T.
Protein change: p.Ala1225Ser; replaces alanine 1225 with serine.
Molecular consequence: missense variant.
Genome position (GRCh38, 1-based): chr15:42,998,252, C>A on the plus strand (G>T on the coding strand, the complement: UBR1 is on the minus strand). VCF-style: chr15-42998252-C-A. GRCh37 (hg19) VCF-style: chr15-43290450-C-A.
Other names: short protein forms A1225S.
Identifiers: ClinVar variation 1168748 (VCV001168748.42), dbSNP rs117347582, ClinGen allele CA7518111.

ClinVar aggregate classification (germline): Conflicting classifications of pathogenicity. Review status: criteria provided, conflicting classifications (1 of 4 stars). 5 submissions from 5 submitters: Uncertain significance (1); Benign (2); Likely benign (2). Last evaluated 2026-01-26.

Conditions:
Intellectual disability. Also called: Intellectual functioning disability; intellectual disabilities; Intellectual developmental disorder. Identifiers: MedGen C3714756, MeSH D008607, MONDO:0001071, HP:0001249.

Allele frequency attached by ClinVar (database versions not stated): 1000 Genomes Project 0.00120; gnomAD 0.00131 and 0.00137; ExAC 0.00135; 1000 Genomes Project 30x 0.00141; gnomAD exomes 0.00142 and 0.00212; TOPMed 0.00151; ESP Exome Variant Server 0.00208.
gnomAD v4.1: 3,292 of 1,613,748 alleles (0.2%); highest among the groups gnomAD compares: Admixed American, 0.24%; 4 homozygotes.

Submissions (5):

Labcorp Genetics (formerly Invitae), Labcorp
Classification: Benign. Last evaluated: 2026-01-26. Review status: criteria provided, single submitter. Criteria: Invitae Variant Classification Sherloc (09022015). Collection method: clinical testing. Allele origin: germline.

CeGaT Center for Human Genetics Tuebingen
Classification: Likely benign. Last evaluated: 2025-01-01. Review status: criteria provided, single submitter. Criteria: CeGaT Center For Human Genetics Tuebingen Variant Classification Criteria Version 2. Collection method: clinical testing. Allele origin: germline. Affected: yes. Observed: 5 variant alleles.
Comment: UBR1: BP4, BS2

Blueprint Genetics
Classification: Likely benign. Last evaluated: 2024-11-21. Review status: criteria provided, single submitter. Criteria: ACMG Guidelines, 2015. Collection method: clinical testing. Allele origin: germline.

Cambridge Genomics Laboratory, East Genomic Laboratory Hub, NHS Genomic Medicine Service
Classification: Uncertain significance for Intellectual disability. Last evaluated: 2019-08-21. Review status: criteria provided, single submitter. Criteria: ACGS Best Practice Guidelines for Variant Classification in Rare Disease 2020. Collection method: clinical testing. Allele origin: germline. Affected: yes. Observed: 1 variant allele.

Breakthrough Genomics
Classification: Benign. Review status: criteria provided, single submitter. Criteria: ACMG Guidelines, 2015. Collection method: not provided. Allele origin: germline. Inheritance: Autosomal recessive inheritance. Affected: yes.